The following is an entry in ClinVar:

NM_153006.3(NAGS):c.390C>A (p.Cys130Ter)

Gene: NAGS (N-acetylglutamate synthase; plus strand). Cytogenetic location: 17q21.31.
Variant type: single nucleotide variant.
Coding change: c.390C>A on transcript NM_153006.3 (MANE Select); coding-DNA position 390, C replaced by A.
Protein change: p.Cys130Ter; replaces cysteine 130 with a stop codon.
Molecular consequence: nonsense.
Genome position (GRCh38, 1-based): chr17:44,005,053, C>A. VCF-style: chr17-44005053-C-A. GRCh37 (hg19) VCF-style: chr17-42082421-C-A.
Other names: short protein forms C130*.
Identifiers: ClinVar variation 1407326 (VCV001407326.6), dbSNP rs2143980228, ClinGen allele CA399737846.

ClinVar aggregate classification (germline): Pathogenic (1 of 4 stars; one submission).

Conditions:
Hyperammonemia, type III (NAGSD). Also called: Hyperammonemia due to N-acetylglutamate synthase deficiency. Identifiers: Orphanet 927, MedGen C0268543, MONDO:0009377, OMIM 237310.

Submission:

Labcorp Genetics (formerly Invitae), Labcorp
Classification: Pathogenic for Hyperammonemia, type III. Last evaluated: 2021-11-30. Review status: criteria provided, single submitter. Criteria: Invitae Variant Classification Sherloc (09022015). Collection method: clinical testing. Allele origin: germline.
Comment: For these reasons, this variant has been classified as Pathogenic. This variant has not been reported in the literature in individuals affected with NAGS-related conditions. This variant is not present in population databases (gnomAD no frequency). This sequence change creates a premature translational stop signal (p.Cys130*) in the NAGS gene. It is expected to result in an absent or disrupted protein product. Loss-of-function variants in NAGS are known to be pathogenic (PMID: 12594532).

Literature cited by the submitters: PubMed 12594532.